The following is an entry in ClinVar:

ClinVar aggregate classification (germline): Uncertain significance (1 of 4 stars; one submission).

Submission:

GeneDx
Classification: Uncertain significance. Last evaluated: 2020-01-17. Review status: criteria provided, single submitter. Criteria: GeneDx Variant Classification Process June 2021. Collection method: clinical testing. Allele origin: germline. Affected: yes.
Comment: Not observed in large population cohorts (Lek et al., 2016); Frameshift variant predicted to result in protein truncation or nonsense mediated decay in a gene for which loss-of-function is not a known mechanism of disease; Has not been previously published as pathogenic or benign to our knowledge

NM_000722.4(CACNA2D1):c.1848_1863del (p.Glu617fs)

Gene: CACNA2D1 (calcium voltage-gated channel auxiliary subunit alpha2delta 1; minus strand). Cytogenetic location: 7q21.11.
Variant type: Deletion.
Coding change: c.1848_1863del on transcript NM_000722.4 (MANE Select); coding-DNA positions 1848 to 1863, 16 bases deleted (AGAAGAGACAATAACT).
Protein change: p.Glu617fs; shifts the reading frame from glutamic acid 617.
Molecular consequence: frameshift variant.
Genome position (GRCh38, 1-based): chr7:81,984,645-81,984,660, AGTTATTGTCTCTTCT deleted on the plus strand (AGAAGAGACAATAACT on the coding strand, the reverse complement: CACNA2D1 is on the minus strand); deleting any 16 consecutive bases within chr7:81,984,645-81,984,664 gives the same sequence; the c. name uses the placement nearest the transcript's 3' end. VCF-style (leftmost placement, unchanged base first): chr7-81984644-GAGTTATTGTCTCTTCT-G. GRCh37 (hg19) VCF-style: chr7-81613960-GAGTTATTGTCTCTTCT-G.
Other names: c.1848_1863delAGAAGAGACAATAACT (NM_000722.2); c.1848_1863del16 (NM_000722.2); c.1848_1863del (LRG_437t1); c.1905_1920del, p.Glu636fs (NM_001366867.1); short protein forms E617fs, E636fs.
Identifiers: ClinVar variation 453197 (VCV000453197.3), dbSNP rs1554338713, ClinGen allele CA658657678.